The following is an entry in ClinVar:

ClinVar aggregate classification (germline): Uncertain significance (1 of 4 stars; one submission).

Submission:

Labcorp Genetics (formerly Invitae), Labcorp
Classification: Uncertain significance. Last evaluated: 2024-12-16. Review status: criteria provided, single submitter. Criteria: Invitae Variant Classification Sherloc (09022015). Collection method: clinical testing. Allele origin: germline.
Comment: This sequence change creates a premature translational stop signal (p.Ser27Valfs*3) in the MTOR gene. It is expected to result in an absent or disrupted protein product. However, the current clinical and genetic evidence is not sufficient to establish whether loss-of-function variants in MTOR cause disease. This variant is not present in population databases (gnomAD no frequency). This variant has not been reported in the literature in individuals affected with MTOR-related conditions. ClinVar contains an entry for this variant (Variation ID: 1996760). In summary, the available evidence is currently insufficient to determine the role of this variant in disease. Therefore, it has been classified as a Variant of Uncertain Significance.

NM_004958.4(MTOR):c.79del (p.Ser27fs)

Gene: MTOR (mechanistic target of rapamycin kinase; minus strand). Cytogenetic location: 1p36.22.
Variant type: Deletion.
Coding change: c.79del on transcript NM_004958.4 (MANE Select); coding-DNA position 79, one base deleted (A; older notation c.79delA).
Protein change: p.Ser27fs; shifts the reading frame from serine 27.
Molecular consequence: frameshift variant. On other transcripts: 5 prime UTR variant (1).
Genome position (GRCh38, 1-based): chr1:11,259,331, T deleted on the plus strand (A on the coding strand, the reverse complement: MTOR is on the minus strand). VCF-style (leftmost placement, unchanged base first): chr1-11259330-CT-C. GRCh37 (hg19) VCF-style: chr1-11319387-CT-C.
Other names: c.79del, p.Ser27fs (NM_001386500.1); c.-1061del (NM_001386501.1); short protein forms S27fs.
Identifiers: ClinVar variation 1996760 (VCV001996760.4), dbSNP rs2523475523, ClinGen allele CA2580060540.